The following is an entry in ClinVar:

ClinVar aggregate classification (germline): Uncertain significance (1 of 4 stars; one submission).

Conditions:
Epidermolysis bullosa simplex 3, localized or generalized intermediate, with BP230 deficiency (EBS3). Also called: Epidermolysis bullosa simplex, autosomal recessive 2; Epidermolysis bullosa simplex due to BP230 deficiency. Identifiers: Orphanet 412181, MedGen C3809470, MONDO:0014180, OMIM 615425.
Hereditary sensory and autonomic neuropathy type 6. Also called: Neuropathy, hereditary sensory and autonomic, type VI; HSAN VI. Identifiers: Orphanet 314381, MedGen C3539003, MONDO:0013839, OMIM 614653.

Allele frequency attached by ClinVar (database versions not stated): gnomAD 0.00001; ExAC 0.00003; gnomAD exomes 0.00004 and 0.00008; TOPMed 0.00005.
gnomAD v4.1: 26 of 1,613,996 alleles (0.0016%); highest among the groups gnomAD compares: Admixed American, 0.042%; no homozygotes.

Submission:

Labcorp Genetics (formerly Invitae), Labcorp
Classification: Uncertain significance for Epidermolysis bullosa simplex 3, localized or generalized intermediate, with BP230 deficiency; Hereditary sensory and autonomic neuropathy type 6. Last evaluated: 2024-11-04. Review status: criteria provided, single submitter. Criteria: Invitae Variant Classification Sherloc (09022015). Collection method: clinical testing. Allele origin: germline.
Comment: This sequence change replaces serine, which is neutral and polar, with phenylalanine, which is neutral and non-polar, at codon 13 of the DST protein (p.Ser13Phe). This variant is present in population databases (rs769912551, gnomAD 0.06%). This variant has not been reported in the literature in individuals affected with DST-related conditions. ClinVar contains an entry for this variant (Variation ID: 969319). An algorithm developed to predict the effect of missense changes on protein structure and function (PolyPhen-2) suggests that this variant is likely to be disruptive. In summary, the available evidence is currently insufficient to determine the role of this variant in disease. Therefore, it has been classified as a Variant of Uncertain Significance.

NM_001723.7(DST):c.38C>T (p.Ser13Phe)

Gene: DST (dystonin; minus strand). Cytogenetic location: 6p12.1.
Variant type: single nucleotide variant.
Coding change: c.38C>T on transcript NM_001723.7 (MANE Plus Clinical); coding-DNA position 38, C replaced by T.
Protein change: p.Ser13Phe; replaces serine 13 with phenylalanine.
Molecular consequence: missense variant. On other transcripts: intron variant (9).
Genome position (GRCh38, 1-based): chr6:56,642,751, G>A on the plus strand (C>T on the coding strand, the complement: DST is on the minus strand). VCF-style: chr6-56642751-G-A. GRCh37 (hg19) VCF-style: chr6-56507549-G-A.
Other names: c.38C>T, p.Ser13Phe (NM_015548.5); c.1680-248C>T (NM_001144769.5); c.1779-248C>T (NM_001374722.1, NM_001374736.1); c.1806-248C>T (NM_001374734.1); c.1266-248C>T (NM_001144770.2); c.1146-248C>T (NM_001374730.1, NM_001386100.1, NM_183380.4 and 1 more transcripts); short protein forms S13F.
Identifiers: ClinVar variation 969319 (VCV000969319.6), dbSNP rs769912551, ClinGen allele CA3871605.
Genomic context (GRCh38, chr6:56,642,751, plus strand): 5'-AAGAGAAGATTTTCATTTGAATCAAGACTGGTTCGAGTGCTGGTAGTGTTACTAAACACA[G>A]AATCACTGCTACGGTAACTATAACTACTACTGTGCATTTTTATTCCTGAAACGATGTTCT-3'
Protein context (NP_001714.1, residues 3-23): SSSYSYRSSD[Ser13Phe]VFSNTTSTRT